The following is an entry in ClinVar:

NM_000264.5(PTCH1):c.3449G>A (p.Arg1150Lys)

Gene: PTCH1 (patched 1; minus strand). Cytogenetic location: 9q22.32.
Variant type: single nucleotide variant.
Coding change: c.3449G>A on transcript NM_000264.5 (MANE Select); coding-DNA position 3449, G replaced by A.
Protein change: p.Arg1150Lys; replaces arginine 1150 with lysine.
Molecular consequence: missense variant. On other transcripts: non-coding transcript variant (1).
Genome position (GRCh38, 1-based): chr9:95,453,478, C>T on the plus strand (G>A on the coding strand, the complement: PTCH1 is on the minus strand). VCF-style: chr9-95453478-C-T. GRCh37 (hg19) VCF-style: chr9-98215760-C-T.
Other names: c.3251G>A, p.Arg1084Lys (NM_001083602.3); c.3446G>A, p.Arg1149Lys (NM_001083603.3); c.2996G>A, p.Arg999Lys (NM_001083604.3, NM_001083605.3, NM_001083606.3 and 1 more transcripts); c.3293G>A, p.Arg1098Lys (NM_001354918.2); short protein forms R1098K, R1150K, R1149K, R1084K, R999K.
Identifiers: ClinVar variation 2151484 (VCV002151484.2), dbSNP rs2538039995, ClinGen allele CA374111649.

ClinVar aggregate classification (germline): Uncertain significance. Review status: criteria provided, multiple submitters, no conflicts (2 of 4 stars). 2 submissions from 2 submitters: Uncertain significance (2). Last evaluated 2025-03-05.

Conditions:
Hereditary cancer-predisposing syndrome. Also called: Neoplastic Syndromes, Hereditary; Hereditary neoplastic syndrome; Hereditary Cancer Syndrome; Tumor predisposition. Identifiers: Orphanet 140162, MedGen C0027672, MeSH D009386, MONDO:0015356.
Gorlin syndrome. Also called: Nevoid Basal Cell Carcinoma Syndrome; Basal cell nevus syndrome. Identifiers: Orphanet 377, MedGen C0004779, MONDO:0007187.

Allele frequency attached by ClinVar (database versions not stated): gnomAD exomes below 0.00001.
gnomAD v4.1: 5 of 1,614,104 alleles (0.00031%); highest among the groups gnomAD compares: South Asian, 0.0055%; no homozygotes.

Submissions (2):

Ambry Genetics
Classification: Uncertain significance for Hereditary cancer-predisposing syndrome. Last evaluated: 2025-03-05. Review status: criteria provided, single submitter. Criteria: Ambry Variant Classification Scheme 2023. Collection method: clinical testing. Allele origin: germline.
Comment: The p.R1150K variant (also known as c.3449G>A), located in coding exon 20 of the PTCH1 gene, results from a G to A substitution at nucleotide position 3449. The amino acid change results in arginine to lysine at codon 1150, an amino acid with highly similar properties. However, this change occurs in the last base pair of coding exon 20, which makes it likely to have some effect on normal mRNA splicing. The nucleotide and amino acid positions are highly conserved in available vertebrate species. In silico splice site analysis predicts that this alteration will not have any significant effect on splicing. In addition, as a missense substitution this alteration is predicted to be deleterious by in silico analysis. Based on the available evidence, the clinical significance of this variant remains unclear.

Labcorp Genetics (formerly Invitae), Labcorp
Classification: Uncertain significance for Gorlin syndrome. Last evaluated: 2021-12-27. Review status: criteria provided, single submitter. Criteria: Invitae Variant Classification Sherloc (09022015). Collection method: clinical testing. Allele origin: germline.
Comment: This sequence change replaces arginine, which is basic and polar, with lysine, which is basic and polar, at codon 1150 of the PTCH1 protein (p.Arg1150Lys). This variant also falls at the last nucleotide of exon 20, which is part of the consensus splice site for this exon. This variant is not present in population databases (gnomAD no frequency). This variant has not been reported in the literature in individuals affected with PTCH1-related conditions. Algorithms developed to predict the effect of missense changes on protein structure and function (SIFT, PolyPhen-2, Align-GVGD) all suggest that this variant is likely to be tolerated. Variants that disrupt the consensus splice site are a relatively common cause of aberrant splicing (PMID: 17576681, 9536098). RNA analysis performed to evaluate the impact of this missense change on mRNA splicing indicates it does not significantly alter splicing (Invitae). In summary, the available evidence is currently insufficient to determine the role of this variant in disease. Therefore, it has been classified as a Variant of Uncertain Significance.

Literature cited by the submitters: PubMed 17576681 (cited by Labcorp Genetics (formerly Invitae), Labcorp); PubMed 9536098 (cited by Labcorp Genetics (formerly Invitae), Labcorp).